The following is an entry in ClinVar:

ClinVar aggregate classification (germline): Uncertain significance (1 of 4 stars; one submission).

Conditions:
Charcot-Marie-Tooth disease type 4. Also called: Charcot-Marie-Tooth, Type 4; Charcot-Marie-Tooth disease, type IV. Identifiers: Orphanet 64749, MedGen C4082197, MONDO:0018995.

Allele frequency attached by ClinVar (database versions not stated): ExAC 0.00001; gnomAD exomes 0.00001; TOPMed 0.00001; gnomAD 0.00002.

Submission:

Labcorp Genetics (formerly Invitae), Labcorp
Classification: Uncertain significance for Charcot-Marie-Tooth disease type 4. Last evaluated: 2025-08-12. Review status: criteria provided, single submitter. Criteria: Invitae Variant Classification Sherloc (09022015). Collection method: clinical testing. Allele origin: germline.
Comment: This sequence change replaces glutamic acid, which is acidic and polar, with alanine, which is neutral and non-polar, at codon 592 of the PRX protein (p.Glu592Ala). This variant is present in population databases (rs781012349, gnomAD 0.003%). This variant has not been reported in the literature in individuals affected with PRX-related conditions. ClinVar contains an entry for this variant (Variation ID: 2161003). An algorithm developed to predict the effect of missense changes on protein structure and function (PolyPhen-2) suggests that this variant is likely to be disruptive. In summary, the available evidence is currently insufficient to determine the role of this variant in disease. Therefore, it has been classified as a Variant of Uncertain Significance.

NM_181882.3(PRX):c.1775A>C (p.Glu592Ala)

Gene: PRX (periaxin; minus strand). Cytogenetic location: 19q13.2.
Variant type: single nucleotide variant.
Coding change: c.1775A>C on transcript NM_181882.3 (MANE Select); coding-DNA position 1775, A replaced by C.
Protein change: p.Glu592Ala; replaces glutamic acid 592 with alanine.
Molecular consequence: missense variant. On other transcripts: 3 prime UTR variant (1).
Genome position (GRCh38, 1-based): chr19:40,396,577, T>G on the plus strand (A>C on the coding strand, the complement: PRX is on the minus strand). VCF-style: chr19-40396577-T-G. GRCh37 (hg19) VCF-style: chr19-40902484-T-G.
Other names: c.2060A>C, p.Glu687Ala (NM_001411127.1); c.*1980A>C (NM_020956.2); short protein forms E687A, E592A.
Identifiers: ClinVar variation 2161003 (VCV002161003.2), dbSNP rs781012349, ClinGen allele CA9444199.